The following is an entry in ClinVar:

ClinVar aggregate classification (germline): Pathogenic. Review status: criteria provided, multiple submitters, no conflicts (2 of 4 stars). 2 submissions from 2 submitters: Pathogenic (2). Last evaluated 2026-01-01.

Conditions:
Neurofibromatosis, type 1 (NF1). Also called: VON RECKLINGHAUSEN DISEASE; Peripheral type neurofibromatosis; Neurofibromatosis, type I; NEUROFIBROMATOSIS, TYPE I, SOMATIC. Identifiers: Orphanet 636, MedGen C0027831, MONDO:0018975, OMIM 162200. Disease mechanism: loss of function.

Submissions (2):

Labcorp Genetics (formerly Invitae), Labcorp
Classification: Pathogenic for Neurofibromatosis, type 1. Last evaluated: 2026-01-01. Review status: criteria provided, single submitter. Criteria: Invitae Variant Classification Sherloc (09022015). Collection method: clinical testing. Allele origin: germline.
Comment: This sequence change creates a premature translational stop signal (p.Gly1681Valfs*8) in the NF1 gene. It is expected to result in an absent or disrupted protein product. Loss-of-function variants in NF1 are known to be pathogenic (PMID: 10712197, 23913538). This variant is not present in population databases (gnomAD no frequency). This premature translational stop signal has been observed in individual(s) with NF1-related conditions (PMID: 31573083). ClinVar contains an entry for this variant (Variation ID: 3898913). Algorithms developed to predict the effect of sequence changes on RNA splicing suggest that this variant may create or strengthen a splice site. For these reasons, this variant has been classified as Pathogenic.

GeneDx
Classification: Pathogenic. Last evaluated: 2024-11-06. Review status: criteria provided, single submitter. Criteria: GeneDx Variant Classification Process June 2021. Collection method: clinical testing. Allele origin: germline. Affected: yes.
Comment: Frameshift variant predicted to result in protein truncation or nonsense mediated decay in a gene for which loss of function is a known mechanism of disease; Not observed at significant frequency in large population cohorts (gnomAD); Has not been previously published as pathogenic or benign to our knowledge

Literature cited by the submitters: PubMed 10712197 (cited by Labcorp Genetics (formerly Invitae), Labcorp); PubMed 23913538 (cited by Labcorp Genetics (formerly Invitae), Labcorp); PubMed 31573083 (cited by Labcorp Genetics (formerly Invitae), Labcorp).

NM_001042492.3(NF1):c.5105del (p.Gly1702fs)

Gene: NF1 (neurofibromin 1; plus strand). Cytogenetic location: 17q11.2.
Variant type: Deletion.
Coding change: c.5105del on transcript NM_001042492.3 (MANE Select); coding-DNA position 5105, one base deleted (G; older notation c.5105delG).
Protein change: p.Gly1702fs; shifts the reading frame from glycine 1702.
Molecular consequence: frameshift variant.
Genome position (GRCh38, 1-based): chr17:31,326,089, G deleted; the last of 2 consecutive G bases (chr17:31,326,088-31,326,089); deleting either gives the same sequence. VCF-style (leftmost placement, unchanged base first): chr17-31326087-AG-A. GRCh37 (hg19) VCF-style: chr17-29653105-AG-A.
Other names: c.5042delG, p.Gly1681Valfs (NM_000267.4); short protein forms G1681fs, G1702fs.
Identifiers: ClinVar variation 3898913 (VCV003898913.2).